The following is an entry in ClinVar:

NM_017950.4(CCDC40):c.1537C>T (p.His513Tyr)

Gene: CCDC40 (coiled-coil domain 40 molecular ruler complex subunit; plus strand). Cytogenetic location: 17q25.3.
Variant type: single nucleotide variant.
Coding change: c.1537C>T on transcript NM_017950.4 (MANE Select); coding-DNA position 1537, C replaced by T.
Protein change: p.His513Tyr; replaces histidine 513 with tyrosine.
Molecular consequence: missense variant.
Genome position (GRCh38, 1-based): chr17:80,065,581, C>T. VCF-style: chr17-80065581-C-T. GRCh37 (hg19) VCF-style: chr17-78039380-C-T.
Other names: c.1537C>T, p.His513Tyr (NM_001243342.2, NM_001330508.2); short protein forms H513Y.
Identifiers: ClinVar variation 1509256 (VCV001509256.8), dbSNP rs2038023446, ClinGen allele CA401327195.

ClinVar aggregate classification (germline): Uncertain significance (1 of 4 stars; one submission).

Conditions:
Primary ciliary dyskinesia. Also called: Ciliary dyskinesia. Identifiers: Orphanet 244, MedGen C0008780, MONDO:0016575, HP:0012265.

Allele frequency attached by ClinVar (database versions not stated): gnomAD exomes below 0.00001; TOPMed below 0.00001.
gnomAD v4.1: 2 of 1,612,828 alleles (0.00012%); highest among the groups gnomAD compares: Non-Finnish European, 0.00017%; no homozygotes.

Submission:

Labcorp Genetics (formerly Invitae), Labcorp
Classification: Uncertain significance for Primary ciliary dyskinesia. Last evaluated: 2024-10-29. Review status: criteria provided, single submitter. Criteria: Invitae Variant Classification Sherloc (09022015). Collection method: clinical testing. Allele origin: germline.
Comment: This sequence change replaces histidine, which is basic and polar, with tyrosine, which is neutral and polar, at codon 513 of the CCDC40 protein (p.His513Tyr). This variant is not present in population databases (gnomAD no frequency). This variant has not been reported in the literature in individuals affected with CCDC40-related conditions. ClinVar contains an entry for this variant (Variation ID: 1509256). Invitae Evidence Modeling of protein sequence and biophysical properties (such as structural, functional, and spatial information, amino acid conservation, physicochemical variation, residue mobility, and thermodynamic stability) indicates that this missense variant is not expected to disrupt CCDC40 protein function with a negative predictive value of 80%. In summary, the available evidence is currently insufficient to determine the role of this variant in disease. Therefore, it has been classified as a Variant of Uncertain Significance.